The following is an entry in ClinVar:

NM_001370259.2(MEN1):c.358A>T (p.Lys120Ter)

Gene: MEN1 (menin 1; minus strand). Cytogenetic location: 11q13.1.
Variant type: single nucleotide variant.
Coding change: c.358A>T on transcript NM_001370259.2 (MANE Select); coding-DNA position 358, A replaced by T.
Protein change: p.Lys120Ter; replaces lysine 120 with a stop codon.
Molecular consequence: nonsense.
Genome position (GRCh38, 1-based): chr11:64,809,752, T>A on the plus strand (A>T on the coding strand, the complement: MEN1 is on the minus strand). VCF-style: chr11-64809752-T-A. GRCh37 (hg19) VCF-style: chr11-64577224-T-A.
Other names: c.358A>T, p.Lys120Ter (NM_000244.4, NM_001370251.2, NM_001370260.2 and 9 more transcripts); short protein forms K120*.
Identifiers: ClinVar variation 241812 (VCV000241812.8), dbSNP rs878855192, ClinGen allele CA10582945.

ClinVar aggregate classification (germline): Pathogenic (1 of 4 stars; one submission).

Conditions:
Multiple endocrine neoplasia, type 1 (MEN1). Also called: MEN I; WERMER SYNDROME; Endocrine adenomatosis multiple; MEN 1; MEA I. Identifiers: Orphanet 652, MedGen C0025267, MeSH D018761, MONDO:0007540, OMIM 131100.

Submission:

Labcorp Genetics (formerly Invitae), Labcorp
Classification: Pathogenic for Multiple endocrine neoplasia, type 1. Last evaluated: 2020-07-24. Review status: criteria provided, single submitter. Criteria: Invitae Variant Classification Sherloc (09022015). Collection method: clinical testing. Allele origin: germline.
Comment: This sequence change creates a premature translational stop signal at codon 120 (p.Lys120*). It is expected to result in an absent or disrupted protein product. For these reasons, this variant has been classified as Pathogenic. Truncating variants in MEN1 are known to be pathogenic. This particular truncation has been reported in the literature in individuals affected with multiple endocrine neoplasia type 1 (PMID: 9215689, 11578300). This variant is also referred to as c.468A>T in the literature.

Literature cited by the submitters: PubMed 9215689; PubMed 11578300.